The following is an entry in ClinVar:

ClinVar aggregate classification (germline): Uncertain significance (1 of 4 stars; one submission).

Conditions:
Dilated cardiomyopathy 1KK (CMD1KK). Identifiers: Orphanet 154, Orphanet 75249, MedGen C3714995, MONDO:0014100, OMIM 615248.

Submission:

Labcorp Genetics (formerly Invitae), Labcorp
Classification: Uncertain significance for Dilated cardiomyopathy 1KK. Last evaluated: 2021-06-24. Review status: criteria provided, single submitter. Criteria: Invitae Variant Classification Sherloc (09022015). Collection method: clinical testing. Allele origin: germline.
Comment: This sequence change replaces valine with phenylalanine at codon 581 of the MYPN protein (p.Val581Phe). The valine residue is moderately conserved and there is a small physicochemical difference between valine and phenylalanine. This variant is not present in population databases (ExAC no frequency). This variant has not been reported in the literature in individuals affected with MYPN-related conditions. Algorithms developed to predict the effect of missense changes on protein structure and function are either unavailable or do not agree on the potential impact of this missense change (SIFT: "Tolerated"; PolyPhen-2: "Probably Damaging"; Align-GVGD: "Class C0"). In summary, the available evidence is currently insufficient to determine the role of this variant in disease. Therefore, it has been classified as a Variant of Uncertain Significance.

NM_032578.4(MYPN):c.1741G>T (p.Val581Phe)

Gene: MYPN (myopalladin; plus strand). Cytogenetic location: 10q21.3.
Variant type: single nucleotide variant.
Coding change: c.1741G>T on transcript NM_032578.4 (MANE Select); coding-DNA position 1741, G replaced by T.
Protein change: p.Val581Phe; replaces valine 581 with phenylalanine.
Molecular consequence: missense variant. On other transcripts: non-coding transcript variant (2).
Genome position (GRCh38, 1-based): chr10:68,166,434, G>T. VCF-style: chr10-68166434-G-T. GRCh37 (hg19) VCF-style: chr10-69926191-G-T.
Other names: c.1741G>T, p.Val581Phe (NM_001256267.2); c.859G>T, p.Val287Phe (NM_001256268.2); short protein forms V287F, V581F.
Identifiers: ClinVar variation 1363563 (VCV001363563.8), dbSNP rs1464184643, ClinGen allele CA376839991.